The following is an entry in ClinVar:

NM_001370348.2(PHF3):c.2425A>C (p.Lys809Gln)

Gene: PHF3 (PHD finger protein 3; plus strand). Cytogenetic location: 6q12.
Variant type: single nucleotide variant.
Coding change: c.2425A>C on transcript NM_001370348.2 (MANE Select); coding-DNA position 2425, A replaced by C.
Protein change: p.Lys809Gln; replaces lysine 809 with glutamine.
Molecular consequence: missense variant.
Genome position (GRCh38, 1-based): chr6:63,691,972, A>C. VCF-style: chr6-63691972-A-C. GRCh37 (hg19) VCF-style: chr6-64401862-A-C.
Other names: c.2161A>C, p.Lys721Gln (NM_001290259.2, NM_001370349.2); c.232A>C, p.Lys78Gln (NM_001370350.2); c.2425A>C, p.Lys809Gln (NM_015153.4); short protein forms K78Q, K809Q, K721Q.
Identifiers: ClinVar variation 4988373 (VCV004988373.1).
Genomic context (GRCh38, chr6:63,691,972, plus strand): 5'-GCTACAGTTGAATTCCATAGTGGAGATAAAACAATGGAGTGTGAAAAGCTTGGATTATCA[A>C]AACACACAACAAATGATAGAACCAAATATATAGATGATACAGTGAAGCACAAGGTCAAAA-3'
Protein context (NP_001357277.1, residues 799-819): TMECEKLGLS[Lys809Gln]HTTNDRTKYI

ClinVar aggregate classification (germline): Uncertain significance (1 of 4 stars; one submission).

Conditions:
PHF3-related disorder. Also called: PHF3-related condition.

gnomAD v4.1: 1 of 1,613,858 alleles (0.000062%); highest among the groups gnomAD compares: East Asian, 0.0022%; no homozygotes.

Submission:

PreventionGenetics, part of Exact Sciences
Classification: Uncertain significance for PHF3-related condition. Last evaluated: 2025-07-19. Review status: criteria provided, single submitter. Criteria: ACMG Guidelines, 2015. Collection method: clinical testing. Allele origin: germline.
Comment: The PHF3 c.2425A>C variant is predicted to result in the amino acid substitution p.Lys809Gln. To our knowledge, this variant has not been reported in the literature or in a large population database (gnomAD), indicating this variant is rare. At this time, the clinical significance of this variant is uncertain due to the absence of conclusive functional and genetic evidence.